The following is an entry in ClinVar:

ClinVar aggregate classification (germline): Uncertain significance (1 of 4 stars; one submission).

Conditions:
Hereditary cancer-predisposing syndrome. Also called: Neoplastic Syndromes, Hereditary; Tumor predisposition; Hereditary Cancer Syndrome; Hereditary neoplastic syndrome. Identifiers: Orphanet 140162, MedGen C0027672, MeSH D009386, MONDO:0015356.

gnomAD v4.1: 1 of 1,613,888 alleles (0.000062%); highest among the groups gnomAD compares: African/African-American, 0.0013%; no homozygotes.

Submission:

Ambry Genetics
Classification: Uncertain significance for Hereditary cancer-predisposing syndrome. Last evaluated: 2025-09-25. Review status: criteria provided, single submitter. Criteria: Ambry Variant Classification Scheme 2023. Collection method: clinical testing. Allele origin: germline.
Comment: The p.K344E variant (also known as c.1030A>G), located in coding exon 4 of the BLM gene, results from an A to G substitution at nucleotide position 1030. The lysine at codon 344 is replaced by glutamic acid, an amino acid with similar properties. This amino acid position is conserved. In addition, this alteration is predicted to be tolerated by in silico analysis. Based on the available evidence, the clinical significance of this variant remains unclear.

NM_000057.4(BLM):c.1030A>G (p.Lys344Glu)

Gene: BLM (BLM RecQ like helicase; plus strand). Cytogenetic location: 15q26.1.
Variant type: single nucleotide variant.
Coding change: c.1030A>G on transcript NM_000057.4 (MANE Select); coding-DNA position 1030, A replaced by G.
Protein change: p.Lys344Glu; replaces lysine 344 with glutamic acid.
Molecular consequence: missense variant. On other transcripts: 5 prime UTR variant (1).
Genome position (GRCh38, 1-based): chr15:90,754,881, A>G. VCF-style: chr15-90754881-A-G. GRCh37 (hg19) VCF-style: chr15-91298111-A-G.
Other names: c.1030A>G, p.Lys344Glu (NM_001287246.2, NM_001287247.2); c.-262A>G (NM_001287248.2); short protein forms K344E.
Identifiers: ClinVar variation 4622332 (VCV004622332.1).